The following is an entry in ClinVar:

NM_000431.4(MVK):c.560_561del (p.Lys187fs)

Gene: MVK (mevalonate kinase; plus strand). Cytogenetic location: 12q24.11.
Variant type: Deletion.
Coding change: c.560_561del on transcript NM_000431.4 (MANE Select); coding-DNA positions 560 to 561, 2 bases deleted (AG; older notation c.560_561delAG).
Protein change: p.Lys187fs; shifts the reading frame from lysine 187.
Molecular consequence: frameshift variant. On other transcripts: 5 prime UTR variant (1), non-coding transcript variant (4).
Genome position (GRCh38, 1-based): chr12:109,586,054-109,586,055, AG deleted. VCF-style (leftmost placement, unchanged base first): chr12-109586053-AAG-A. GRCh37 (hg19) VCF-style: chr12-110023858-AAG-A.
Other names: c.560_561del, p.Lys187fs (NM_001114185.3, NM_001414511.1, NM_001414512.1 and 1 more transcripts); c.404_405del, p.Lys135fs (NM_001301182.2, NM_001414514.1); c.-23_-22del (NM_001414515.1); short protein forms K135fs, K187fs.
Identifiers: ClinVar variation 2635502 (VCV002635502.4), dbSNP rs1885418521, ClinGen allele CA951678081.

ClinVar aggregate classification (germline): Pathogenic. Review status: criteria provided, multiple submitters, no conflicts (2 of 4 stars). 3 submissions from 3 submitters: Pathogenic (3). Last evaluated 2026-03-31.

Conditions:
MVK-related disorder. Also called: MVK-related disorders; MVK-related condition. Identifiers: MedGen CN239294.
Deficiency of mevalonate kinase. Also called: Mevalonate kinase deficiency. Identifiers: Orphanet 309025, MedGen C0342731, MONDO:0017708.
Mevalonic aciduria (MEVA). Identifiers: Orphanet 29, MedGen C1959626, MONDO:0012481, OMIM 610377.
Porokeratosis 3, disseminated superficial actinic type (POROK3). Also called: POROKERATOSIS, DISSEMINATED SUPERFICIAL ACTINIC, 1; POROKERATOSIS 3, MULTIPLE TYPES; POROKERATOSIS 3, MIBELLI TYPE. Identifiers: MedGen C1867981, MONDO:0008293, OMIM 175900.
Hyperimmunoglobulin D with periodic fever (HIDS). Also called: Hyperimmunoglobulinemia D with periodic fever; HYPERIMMUNOGLOBULINEMIA D AND PERIODIC FEVER SYNDROME; Hyperimmunoglobulinemia D. Identifiers: Orphanet 343, MedGen C0398691, MONDO:0009849, OMIM 260920.

Allele frequency attached by ClinVar (database versions not stated): gnomAD 0.00001.

Submissions (3):

Myriad Genetics, Inc.
Classification: Pathogenic for Deficiency of mevalonate kinase. Last evaluated: 2026-03-31. Review status: criteria provided, single submitter. Criteria: Myriad Autosomal Dominant, Autosomal Recessive and X-Linked Classification Criteria (2023). Collection method: clinical testing. Allele origin: unknown.
Comment: NM_000431.2(MVK):c.560_561delAG(K187Mfs*89) is expected to be pathogenic in the context of mevalonate kinase deficiency. This variant is predicted to lead to an abnormal or absent protein product due to the creation of a premature termination codon in MVK, a gene where loss-of-function variants are known to be pathogenic. Please note: this variant was assessed in the context of healthy population screening.

Labcorp Genetics (formerly Invitae), Labcorp
Classification: Pathogenic for Mevalonic aciduria; Hyperimmunoglobulin D with periodic fever; Porokeratosis 3, disseminated superficial actinic type. Last evaluated: 2024-09-10. Review status: criteria provided, single submitter. Criteria: Invitae Variant Classification Sherloc (09022015). Collection method: clinical testing. Allele origin: germline.
Comment: This sequence change creates a premature translational stop signal (p.Lys187Metfs*89) in the MVK gene. It is expected to result in an absent or disrupted protein product. Loss-of-function variants in MVK are known to be pathogenic (PMID: 16835861, 17105862, 23834120). This variant is not present in population databases (gnomAD no frequency). This variant has not been reported in the literature in individuals affected with MVK-related conditions. ClinVar contains an entry for this variant (Variation ID: 2635502). For these reasons, this variant has been classified as Pathogenic.

PreventionGenetics, part of Exact Sciences
Classification: Pathogenic for MVK-related condition. Last evaluated: 2022-11-28. Review status: criteria provided, single submitter. Criteria: ACMG Guidelines, 2015. Collection method: clinical testing. Allele origin: germline.
Comment: The MVK c.560_561delAG variant is predicted to result in a frameshift and premature protein termination (p.Lys187Metfs*89). To our knowledge, this variant has not been reported in the literature or in a large population database, indicating this variant is rare. Truncating variants upstream and downstream of this position have been reported as pathogenic for mevalonate kinase deficiency and hyper-IgD periodic fever syndrome (Human Gene Mutation Database, HGMD). Therefore, this variant is interpreted as pathogenic.

Literature cited by the submitters: PubMed 16835861 (cited by Labcorp Genetics (formerly Invitae), Labcorp); PubMed 17105862 (cited by Labcorp Genetics (formerly Invitae), Labcorp); PubMed 23834120 (cited by Labcorp Genetics (formerly Invitae), Labcorp).